The following is an entry in ClinVar:

ClinVar aggregate classification (germline): Pathogenic/Likely pathogenic. Review status: criteria provided, multiple submitters, no conflicts (2 of 4 stars). 4 submissions from 4 submitters: Pathogenic (3); Likely pathogenic (1). Last evaluated 2025-01-21.

Conditions:
RHO-related disorder. Also called: RHO-related condition.
Retinitis pigmentosa (RP). Identifiers: Orphanet 791, MedGen C0035334, MeSH D012174, MONDO:0019200, OMIM 268000. Inheritance: Autosomal dominant, autosomal recessive and X linked inheritance.

Allele frequency attached by ClinVar (database versions not stated): gnomAD exomes 0.00001 and 0.00003; ExAC 0.00002; gnomAD 0.00003; TOPMed 0.00003.

Submissions (4):

Labcorp Genetics (formerly Invitae), Labcorp
Classification: Pathogenic. Last evaluated: 2025-01-21. Review status: criteria provided, single submitter. Criteria: Invitae Variant Classification Sherloc (09022015). Collection method: clinical testing. Allele origin: germline.
Comment: This sequence change creates a premature translational stop signal (p.Met216*) in the RHO gene. It is expected to result in an absent or disrupted protein product. Loss-of-function variants in RHO are known to be pathogenic (PMID: 1303237, 21174529). This variant is present in population databases (rs777851867, gnomAD 0.002%). This variant has not been reported in the literature in individuals affected with RHO-related conditions. ClinVar contains an entry for this variant (Variation ID: 860227). For these reasons, this variant has been classified as Pathogenic.

GeneDx
Classification: Pathogenic. Last evaluated: 2024-04-03. Review status: criteria provided, single submitter. Criteria: GeneDx Variant Classification Process June 2021. Collection method: clinical testing. Allele origin: germline. Affected: yes.
Comment: Nonsense variant predicted to result in protein truncation or nonsense mediated decay in a gene for which loss of function is a known mechanism of disease; Not observed at significant frequency in large population cohorts (gnomAD); This variant is associated with the following publications: (PMID: 31964843, 36819107)

Blueprint Genetics
Classification: Likely pathogenic for RHO-related disorders. Last evaluated: 2022-08-30. Review status: criteria provided, single submitter. Criteria: ACMG Guidelines, 2015. Collection method: clinical testing. Allele origin: germline. Affected: yes. Observed: 5 variant alleles.

INSERM U1051, Institut des Neurosciences de Montpellier
Classification: Pathogenic for Retinitis pigmentosa. Last evaluated: 2020-06-24. Review status: criteria provided, single submitter. Criteria: ACMG Guidelines, 2015. Collection method: research. Allele origin: inherited. Affected: yes.

Literature cited by the submitters: PubMed 1303237 (cited by Labcorp Genetics (formerly Invitae), Labcorp); PubMed 21174529 (cited by Labcorp Genetics (formerly Invitae), Labcorp).

NM_000539.3(RHO):c.646del (p.Pro215_Met216insTer)

Gene: RHO (rhodopsin; plus strand). Cytogenetic location: 3q22.1.
Variant type: Deletion.
Coding change: c.646del on transcript NM_000539.3 (MANE Select); coding-DNA position 646, one base deleted (A; older notation c.646delA).
Protein change: p.Pro215_Met216insTer.
Molecular consequence: nonsense.
Genome position (GRCh38, 1-based): chr3:129,532,366, A deleted. VCF-style (leftmost placement, unchanged base first): chr3-129532365-CA-C. GRCh37 (hg19) VCF-style: chr3-129251208-CA-C.
Other names: c.646delA (NM_000539.3).
Identifiers: ClinVar variation 860227 (VCV000860227.10), dbSNP rs777851867, ClinGen allele CA2607231.